The following is an entry in ClinVar:

ClinVar aggregate classification (germline): Uncertain significance (1 of 4 stars; one submission).

Conditions:
Primary familial hypertrophic cardiomyopathy (HCM). Identifiers: Orphanet 99739, MedGen C0949658, MeSH D024741, MONDO:0024573. Inheritance: Various modes of inheritance.
Dilated cardiomyopathy 1AA (CMD1AA). Also called: CARDIOMYOPATHY, DILATED, 1AA, WITH OR WITHOUT LEFT VENTRICULAR NONCOMPACTION; CARDIOMYOPATHY, FAMILIAL HYPERTROPHIC, 23, WITH OR WITHOUT LEFT VENTRICULAR NONCOMPACTION; Cardiomyopathy, dilated, 1AA, with or without LVNC. Identifiers: Orphanet 154, MedGen C2677338, MONDO:0012808, OMIM 612158.

Submission:

Labcorp Genetics (formerly Invitae), Labcorp
Classification: Uncertain significance for Primary familial hypertrophic cardiomyopathy; Dilated cardiomyopathy 1AA. Last evaluated: 2022-12-06. Review status: criteria provided, single submitter. Criteria: Invitae Variant Classification Sherloc (09022015). Collection method: clinical testing. Allele origin: germline.
Comment: In summary, the available evidence is currently insufficient to determine the role of this variant in disease. Therefore, it has been classified as a Variant of Uncertain Significance. Experimental studies and prediction algorithms are not available or were not evaluated, and the functional significance of this variant is currently unknown. This variant has not been reported in the literature in individuals affected with ACTN2-related conditions. This variant results in a copy number gain of the genomic region encompassing exon(s) 16-18 of the ACTN2 gene. While the exact position of this variant cannot be determined from the data, sub-genic copy number gains are generally in tandem (PMID: 25640679). This variant is predicted to be in-frame, and likely preserves the integrity of the reading frame.

Literature cited by the submitters: PubMed 25640679.

NC_000001.10:g.(?_236917227)_(236920952_?)dup

Gene: ACTN2 (actinin alpha 2; plus strand). Cytogenetic location: 1q43.
Variant type: Duplication.
Identifiers: ClinVar variation 2423719 (VCV002423719.5).